The following is an entry in ClinVar:

ClinVar aggregate classification (germline): Uncertain significance (1 of 4 stars; one submission).

Conditions:
Hereditary cancer-predisposing syndrome. Also called: Tumor predisposition; Hereditary Cancer Syndrome; Hereditary neoplastic syndrome; Neoplastic Syndromes, Hereditary. Identifiers: Orphanet 140162, MedGen C0027672, MeSH D009386, MONDO:0015356.

Submission:

Ambry Genetics
Classification: Uncertain significance for Hereditary cancer-predisposing syndrome. Last evaluated: 2025-12-10. Review status: criteria provided, single submitter. Criteria: Ambry Variant Classification Scheme 2023. Collection method: clinical testing. Allele origin: germline.
Comment: The p.P356S variant (also known as c.1066C>T), located in coding exon 10 of the FANCC gene, results from a C to T substitution at nucleotide position 1066. The proline at codon 356 is replaced by serine, an amino acid with similar properties. This amino acid position is highly conserved in available vertebrate species. In addition, this alteration is predicted to be tolerated by in silico analysis. Since supporting evidence is limited at this time, the clinical significance of this alteration remains unclear.

NM_000136.3(FANCC):c.1066C>T (p.Pro356Ser)

Genes: FANCC (FA complementation group C; minus strand), AOPEP (aminopeptidase O (putative); plus strand). Cytogenetic location: 9q22.32.
Variant type: single nucleotide variant.
Coding change: c.1066C>T on transcript NM_000136.3 (MANE Select); coding-DNA position 1066, C replaced by T.
Protein change: p.Pro356Ser; replaces proline 356 with serine.
Molecular consequence: missense variant.
Genome position (GRCh38, 1-based): chr9:95,117,321, G>A on the plus strand (C>T on the coding strand, the complement: FANCC is on the minus strand). VCF-style: chr9-95117321-G-A. GRCh37 (hg19) VCF-style: chr9-97879603-G-A.
Other names: c.1066C>T, p.Pro356Ser (NM_001243743.2, NM_001243744.2); short protein forms P356S.
Identifiers: ClinVar variation 2592894 (VCV002592894.3), dbSNP rs367924414, ClinGen allele CA196547101.